The following is an entry in ClinVar:

NM_003359.4(UGDH):c.1136A>T (p.Asp379Val)

Gene: UGDH (UDP-glucose 6-dehydrogenase; minus strand). Cytogenetic location: 4p14.
Variant type: single nucleotide variant.
Coding change: c.1136A>T on transcript NM_003359.4 (MANE Select); coding-DNA position 1136, A replaced by T.
Protein change: p.Asp379Val; replaces aspartic acid 379 with valine.
Molecular consequence: missense variant.
Genome position (GRCh38, 1-based): chr4:39,505,272, T>A on the plus strand (A>T on the coding strand, the complement: UGDH is on the minus strand). VCF-style: chr4-39505272-T-A. GRCh37 (hg19) VCF-style: chr4-39506892-T-A.
Other names: c.935A>T, p.Asp312Val (NM_001184700.2); c.845A>T, p.Asp282Val (NM_001184701.2); short protein forms D282V, D312V, D379V.
Identifiers: ClinVar variation 3367062 (VCV003367062.1).

ClinVar aggregate classification (germline): Uncertain significance (1 of 4 stars; one submission).

Conditions:
Developmental and epileptic encephalopathy, 84. Also called: EPILEPTIC ENCEPHALOPATHY, EARLY IFANTILE, 84. Identifiers: MedGen C5394081, MONDO:0032918, OMIM 618792.

Submission:

Neuberg Centre For Genomic Medicine, NCGM
Classification: Uncertain significance for Developmental and epileptic encephalopathy, 84. Last evaluated: 2023-05-20. Review status: criteria provided, single submitter. Criteria: ACMG Guidelines, 2015. Collection method: clinical testing. Allele origin: germline. Inheritance: Autosomal recessive inheritance. Affected: yes.
Comment: The missense c.1136A>T (p.Asp379Val) variant in the UGDH gene has not been reported previously as a pathogenic variant nor as a benign variant, to our knowledge. This variant is absent in the gnomAD Exomes. The amino acid Aspartic acid at position 379 is changed to a Valine changing protein sequence and it might alter its composition and physico-chemical properties. Multiple lines of computational evidence (Polyphen - Probably damaging, SIFT – Damaging and MutationTaster - Disease causing) predict a damaging effect on protein structure and function for this variant. The amino acid Aspartic acid in UGDH is predicted as conserved by GERP++ and PhyloP across 100 vertebrates. For these reasons, this variant has been classified as Uncertain Significance.